The following is an entry in ClinVar:

NM_201384.3(PLEC):c.5374G>A (p.Glu1792Lys)

Gene: PLEC (plectin; minus strand). Cytogenetic location: 8q24.3.
Variant type: single nucleotide variant.
Coding change: c.5374G>A on transcript NM_201384.3 (MANE Select); coding-DNA position 5374, G replaced by A.
Protein change: p.Glu1792Lys; replaces glutamic acid 1792 with lysine.
Molecular consequence: missense variant.
Genome position (GRCh38, 1-based): chr8:143,924,555, C>T on the plus strand (G>A on the coding strand, the complement: PLEC is on the minus strand). VCF-style: chr8-143924555-C-T. GRCh37 (hg19) VCF-style: chr8-144998723-C-T.
Other names: c.5455G>A, p.Glu1819Lys (NM_000445.5); c.5332G>A, p.Glu1778Lys (NM_201378.4); c.5308G>A, p.Glu1770Lys (NM_201379.3); c.5785G>A, p.Glu1929Lys (NM_201380.4); c.5278G>A, p.Glu1760Lys (NM_201381.3); c.5374G>A, p.Glu1792Lys (NM_201382.4); c.5386G>A, p.Glu1796Lys (NM_201383.3); c.5455G>A (NM_000445.4); short protein forms E1770K, E1792K, E1929K, E1760K, E1778K, E1796K, E1819K.
Identifiers: ClinVar variation 1429074 (VCV001429074.9), dbSNP rs782362564, ClinGen allele CA4926380.

ClinVar aggregate classification (germline): Uncertain significance. Review status: criteria provided, multiple submitters, no conflicts (2 of 4 stars). 2 submissions from 2 submitters: Uncertain significance (2). Last evaluated 2026-03-29.

Conditions:
Autosomal recessive limb-girdle muscular dystrophy type 2Q (LGMDR17). Also called: MUSCULAR DYSTROPHY, LIMB-GIRDLE, AUTOSOMAL RECESSIVE 17. Identifiers: Orphanet 254361, MedGen C3150989, MONDO:0013390, OMIM 613723.
Epidermolysis bullosa simplex, Ogna type (EBS5A). Also called: Pidermolysis bullosa simplex 5A, Ogna type; EPIDERMOLYSIS BULLOSA SIMPLEX 5A, OGNA TYPE. Identifiers: Orphanet 79401, MedGen C0432317, MONDO:0007555, OMIM 131950.
Epidermolysis bullosa simplex 5B, with muscular dystrophy (EBS5B). Also called: EPIDERMOLYSIS BULLOSA SIMPLEX AND LIMB-GIRDLE MUSCULAR DYSTROPHY; Epidermolysis bullosa simplex with muscular dystrophy. Identifiers: Orphanet 257, MedGen C2931072, MONDO:0009181, OMIM 226670.
Epidermolysis bullosa simplex 5C, with pyloric atresia (EBS5C). Also called: PLEC-Related Epidermolysis Bullosa with Pyloric Atresia; Epidermolysis bullosa simplex with pyloric atresia; PLEC1-Related Epidermolysis Bullosa with Pyloric Atresia. Identifiers: Orphanet 158684, MedGen C2677349, MONDO:0012807, OMIM 612138.
Epidermolysis bullosa simplex with nail dystrophy (EBS5D). Identifiers: MedGen C4225309, MONDO:0014661, OMIM 616487.
PLEC-related disorder. Also called: PLEC-related disorders; PLEC-related condition.

Allele frequency attached by ClinVar (database versions not stated): TOPMed below 0.00001; gnomAD 0.00001; gnomAD exomes 0.00001.
gnomAD v4.1: 12 of 1,544,650 alleles (0.00078%); highest among the groups gnomAD compares: African/African-American, 0.0027%; no homozygotes.

Submissions (2):

PreventionGenetics, part of Exact Sciences
Classification: Uncertain significance for PLEC-related condition. Last evaluated: 2026-03-29. Review status: criteria provided, single submitter. Criteria: ACMG Guidelines, 2015. Collection method: clinical testing. Allele origin: germline.
Comment: The PLEC c.5455G>A variant is predicted to result in the amino acid substitution p.Glu1819Lys. To our knowledge, this variant has not been reported in the literature. This variant is reported in 0.0065% of alleles in individuals of African descent in gnomAD. At this time, the clinical significance of this variant is uncertain due to the absence of conclusive functional and genetic evidence.

Labcorp Genetics (formerly Invitae), Labcorp
Classification: Uncertain significance for Autosomal recessive limb-girdle muscular dystrophy type 2Q; Epidermolysis bullosa simplex, Ogna type; Epidermolysis bullosa simplex with nail dystrophy; Epidermolysis bullosa simplex 5C, with pyloric atresia; Epidermolysis bullosa simplex 5B, with muscular dystrophy. Last evaluated: 2021-01-13. Review status: criteria provided, single submitter. Criteria: Invitae Variant Classification Sherloc (09022015). Collection method: clinical testing. Allele origin: germline.
Comment: Algorithms developed to predict the effect of missense changes on protein structure and function are either unavailable or do not agree on the potential impact of this missense change (SIFT: "Deleterious"; PolyPhen-2: "Not Available"; Align-GVGD: "Class C55"). This variant has not been reported in the literature in individuals with PLEC-related conditions. The frequency data for this variant in the population databases is considered unreliable, as metrics indicate poor data quality at this position in the ExAC database. This sequence change replaces glutamic acid with lysine at codon 1819 of the PLEC protein (p.Glu1819Lys). The glutamic acid residue is highly conserved and there is a small physicochemical difference between glutamic acid and lysine. In summary, the available evidence is currently insufficient to determine the role of this variant in disease. Therefore, it has been classified as a Variant of Uncertain Significance.